The following is an entry in ClinVar:

ClinVar aggregate classification (germline): Benign. Review status: criteria provided, multiple submitters, no conflicts (2 of 4 stars). 2 submissions from 2 submitters: Benign (2). Last evaluated 2018-06-19.

Allele frequency attached by ClinVar (database versions not stated): gnomAD exomes 0.19495; 1000 Genomes Project 0.19748; 1000 Genomes Project 30x 0.20222; gnomAD 0.22713 and 0.23074; TOPMed 0.22936.
gnomAD v4.1: 257,618 of 1,296,206 alleles (20%); highest among the groups gnomAD compares: African/African-American, 33%; 27,890 homozygotes.

Submissions (2):

GeneDx
Classification: Benign. Last evaluated: 2018-06-19. Review status: criteria provided, single submitter. Criteria: GeneDx Variant Classification (06012015). Collection method: clinical testing. Allele origin: germline. Affected: yes.
Comment: This variant is considered likely benign or benign based on one or more of the following criteria: it is a conservative change, it occurs at a poorly conserved position in the protein, it is predicted to be benign by multiple in silico algorithms, and/or has population frequency not consistent with disease.

Breakthrough Genomics
Classification: Benign. Review status: criteria provided, single submitter. Criteria: ACMG Guidelines, 2015. Collection method: not provided. Allele origin: germline. Inheritance: Autosomal recessive inheritance. Affected: yes.

NM_207346.3(TSEN54):c.521+109A>G

Gene: TSEN54 (tRNA splicing endonuclease subunit 54; plus strand). Cytogenetic location: 17q25.1.
Variant type: single nucleotide variant.
Coding change: c.521+109A>G on transcript NM_207346.3 (MANE Select); 109 bases into the intron after coding-DNA position 521, A replaced by G.
Molecular consequence: intron variant.
Genome position (GRCh38, 1-based): chr17:75,519,156, A>G. VCF-style: chr17-75519156-A-G. GRCh37 (hg19) VCF-style: chr17-73515237-A-G.
Identifiers: ClinVar variation 670805 (VCV000670805.2), dbSNP rs55786842, ClinGen allele CA14411122.